The following is an entry in ClinVar:

NM_001184880.2(PCDH19):c.994G>A (p.Val332Ile)

Gene: PCDH19 (protocadherin 19; minus strand). Cytogenetic location: Xq22.1.
Variant type: single nucleotide variant.
Coding change: c.994G>A on transcript NM_001184880.2 (MANE Select); coding-DNA position 994, G replaced by A.
Protein change: p.Val332Ile; replaces valine 332 with isoleucine.
Molecular consequence: missense variant.
Genome position (GRCh38, 1-based): chrX:100,407,604, C>T on the plus strand (G>A on the coding strand, the complement: PCDH19 is on the minus strand). VCF-style: chrX-100407604-C-T. GRCh37 (hg19) VCF-style: chrX-99662602-C-T.
Other names: c.994G>A, p.Val332Ile (NM_001105243.2, NM_020766.3); short protein forms V332I.
Identifiers: ClinVar variation 2011343 (VCV002011343.4), dbSNP rs1396289338, ClinGen allele CA414004840.

ClinVar aggregate classification (germline): Uncertain significance (1 of 4 stars; one submission).

Conditions:
Developmental and epileptic encephalopathy, 9 (DEE9). Also called: EPILEPSY, FEMALE-RESTRICTED, WITH MENTAL RETARDATION; Early infantile epileptic encephalopathy 9; JUBERG-HELLMAN SYNDROME; PCDH19-Related X-Linked Female-Limited Epilepsy with Mental Retardation. Identifiers: Orphanet 101039, Orphanet 2076, MedGen C1848137, MONDO:0010246, OMIM 300088. Disease mechanism: loss of function.

Submission:

Labcorp Genetics (formerly Invitae), Labcorp
Classification: Uncertain significance for Developmental and epileptic encephalopathy, 9. Last evaluated: 2024-10-16. Review status: criteria provided, single submitter. Criteria: Invitae Variant Classification Sherloc (09022015). Collection method: clinical testing. Allele origin: germline.
Comment: This sequence change replaces valine, which is neutral and non-polar, with isoleucine, which is neutral and non-polar, at codon 332 of the PCDH19 protein (p.Val332Ile). This variant is not present in population databases (gnomAD no frequency). This variant has not been reported in the literature in individuals affected with PCDH19-related conditions. ClinVar contains an entry for this variant (Variation ID: 2011343). Invitae Evidence Modeling of protein sequence and biophysical properties (such as structural, functional, and spatial information, amino acid conservation, physicochemical variation, residue mobility, and thermodynamic stability) indicates that this missense variant is not expected to disrupt PCDH19 protein function with a negative predictive value of 95%. In summary, the available evidence is currently insufficient to determine the role of this variant in disease. Therefore, it has been classified as a Variant of Uncertain Significance.